The following is an entry in ClinVar:

ClinVar aggregate classification (germline): Uncertain significance (1 of 4 stars; one submission).

gnomAD v4.1: 4 of 1,614,114 alleles (0.00025%); highest among the groups gnomAD compares: Middle Eastern, 0.033%; no homozygotes.

Submission:

Labcorp Genetics (formerly Invitae), Labcorp
Classification: Uncertain significance. Last evaluated: 2022-03-04. Review status: criteria provided, single submitter. Criteria: Invitae Variant Classification Sherloc (09022015). Collection method: clinical testing. Allele origin: germline.
Comment: This sequence change replaces glutamic acid, which is acidic and polar, with glutamine, which is neutral and polar, at codon 1097 of the PCDH12 protein (p.Glu1097Gln). This variant is not present in population databases (gnomAD no frequency). This variant has not been reported in the literature in individuals affected with PCDH12-related conditions. Advanced modeling of protein sequence and biophysical properties (such as structural, functional, and spatial information, amino acid conservation, physicochemical variation, residue mobility, and thermodynamic stability) performed at Invitae indicates that this missense variant is not expected to disrupt PCDH12 protein function. In summary, the available evidence is currently insufficient to determine the role of this variant in disease. Therefore, it has been classified as a Variant of Uncertain Significance.

NM_016580.4(PCDH12):c.3289G>C (p.Glu1097Gln)

Gene: PCDH12 (protocadherin 12; minus strand). Cytogenetic location: 5q31.3.
Variant type: single nucleotide variant.
Coding change: c.3289G>C on transcript NM_016580.4 (MANE Select); coding-DNA position 3289, G replaced by C.
Protein change: p.Glu1097Gln; replaces glutamic acid 1097 with glutamine.
Molecular consequence: missense variant.
Genome position (GRCh38, 1-based): chr5:141,945,647, C>G on the plus strand (G>C on the coding strand, the complement: PCDH12 is on the minus strand). VCF-style: chr5-141945647-C-G. GRCh37 (hg19) VCF-style: chr5-141325212-C-G.
Other names: short protein forms E1097Q.
Identifiers: ClinVar variation 2106395 (VCV002106395.4), dbSNP rs1238710844, ClinGen allele CA361564263.